The following is an entry in ClinVar:

ClinVar aggregate classification (germline): Conflicting classifications of pathogenicity. Review status: criteria provided, conflicting classifications (1 of 4 stars). 4 submissions from 4 submitters: Uncertain significance (2); Likely benign (1). 1 of the submissions does not count toward it. Last evaluated 2025-12-14.

Conditions:
Cardiovascular phenotype. Identifiers: MedGen CN230736.
Cardiomyopathy (CMYO). Also called: Cardiomyopathies. Identifiers: Orphanet 167848, MedGen C0878544, MONDO:0004994, HP:0001638. Inheritance: Various modes of inheritance.
Becker muscular dystrophy (BMD). Also called: MUSCULAR DYSTROPHY, PSEUDOHYPERTROPHIC PROGRESSIVE, BECKER TYPE; Becker Muscular Dystrophy (BMD). Identifiers: Orphanet 98895, MedGen C0917713, MONDO:0010311, OMIM 300376.
Duchenne muscular dystrophy (DMD). Also called: Duchenne Muscular Dystrophy (DMD); MUSCULAR DYSTROPHY, PSEUDOHYPERTROPHIC PROGRESSIVE, DUCHENNE TYPE. Identifiers: Orphanet 98896, MedGen C0013264, MONDO:0010679, OMIM 310200.
Dystrophin deficiency.

Allele frequency attached by ClinVar (database versions not stated): ESP Exome Variant Server 0.00009; TOPMed below 0.00001; ExAC 0.00001; gnomAD 0.00001.
gnomAD v4.1: 11 of 1,208,955 alleles (0.00091%); highest among the groups gnomAD compares: South Asian, 0.0035%; no homozygotes.

Submissions (4):

Labcorp Genetics (formerly Invitae), Labcorp
Classification: Likely benign for Duchenne muscular dystrophy. Last evaluated: 2025-12-14. Review status: criteria provided, single submitter. Criteria: Invitae Variant Classification Sherloc (09022015). Collection method: clinical testing. Allele origin: germline.

Ambry Genetics
Classification: Uncertain significance for Cardiovascular phenotype. Last evaluated: 2023-02-24. Review status: criteria provided, single submitter. Criteria: Ambry Variant Classification Scheme 2023. Collection method: clinical testing. Allele origin: germline.
Comment: The p.N2667S variant (also known as c.8000A>G), located in coding exon 54 of the DMD gene, results from an A to G substitution at nucleotide position 8000. The asparagine at codon 2667 is replaced by serine, an amino acid with highly similar properties. Based on data from gnomAD, the G allele has an overall frequency of <0.01% (1/183183) total alleles studied, with 1 hemizygote(s) observed. The highest observed frequency was <0.01% (1/19074) of South Asian alleles. This amino acid position is highly conserved in available vertebrate species. In addition, this alteration is predicted to be tolerated by in silico analysis. Since supporting evidence is limited at this time, the clinical significance of this alteration remains unclear.

Eurofins Ntd Llc (ga)
Classification: Uncertain significance. Last evaluated: 2016-07-27. Review status: criteria provided, single submitter. Criteria: EGL Classification Definitions 2015. Collection method: clinical testing. Allele origin: germline. Observed: 1 variant allele, 1 hemizygote.

Natera, Inc.
Classification: Uncertain significance for Becker muscular dystrophy; Cardiomyopathy; Duchenne muscular dystrophy; Dystrophin deficiency. Last evaluated: 2020-01-24. Review status: no assertion criteria provided. Collection method: clinical testing. Allele origin: germline. Not counted in ClinVar's aggregate classification.

NM_004006.3(DMD):c.8000A>G (p.Asn2667Ser)

Gene: DMD (dystrophin; minus strand). Cytogenetic location: Xp21.1.
Variant type: single nucleotide variant.
Coding change: c.8000A>G on transcript NM_004006.3 (MANE Select); coding-DNA position 8000, A replaced by G.
Protein change: p.Asn2667Ser; replaces asparagine 2667 with serine.
Molecular consequence: missense variant.
Genome position (GRCh38, 1-based): chrX:31,658,017, T>C on the plus strand (A>G on the coding strand, the complement: DMD is on the minus strand). VCF-style: chrX-31658017-T-C. GRCh37 (hg19) VCF-style: chrX-31676134-T-C.
Other names: c.7976A>G, p.Asn2659Ser (NM_000109.4); c.7988A>G, p.Asn2663Ser (NM_004009.3); c.7631A>G, p.Asn2544Ser (NM_004010.3); c.3977A>G, p.Asn1326Ser (NM_004011.4); c.3968A>G, p.Asn1323Ser (NM_004012.4); c.620A>G, p.Asn207Ser (NM_004013.3, NM_004020.4, NM_004021.3 and 2 more transcripts); short protein forms N2667S, N1323S, N207S, N2544S, N2663S, N1326S, N2659S.
Identifiers: ClinVar variation 289753 (VCV000289753.16), dbSNP rs371437381, ClinGen allele CA10378173.
Genomic context (GRCh38, chrX:31,658,017, plus strand): 5'-CAACAGTAGTTTTAGAAATAATGTAATTCATACCTTTTATGAATGCTTCTCCAAGAGGCA[T>C]TGATATTCTCTGTTATCATGTGGACTTTTCTGGTATCATCTGCAGAATAATCCCGGAGAA-3'
Protein context (NP_003997.2, residues 2657-2677): RKVHMITENI[Asn2667Ser]ASWRSIHKRV